The following is an entry in ClinVar:

ClinVar aggregate classification (germline): Uncertain significance (1 of 4 stars; one submission).

Allele frequency attached by ClinVar (database versions not stated): gnomAD 0.00001; TOPMed 0.00001.
gnomAD v4.1: 13 of 1,610,760 alleles (0.00081%); highest among the groups gnomAD compares: South Asian, 0.0066%; no homozygotes.

Submission:

Women's Health and Genetics/Laboratory Corporation of America, LabCorp
Classification: Uncertain significance. Last evaluated: 2023-06-22. Review status: criteria provided, single submitter. Criteria: LabCorp Variant Classification Summary - May 2015. Collection method: clinical testing. Allele origin: germline.
Comment: Variant summary: POLRMT c.3142C>T (p.Arg1048Trp) results in a non-conservative amino acid change located in the DNA-directed RNA polymerase, C-terminal domain, phage-type (IPR046950) of the encoded protein sequence. Four of five in-silico tools predict a damaging effect of the variant on protein function. The variant allele was found at a frequency of 1.2e-05 in 250606 control chromosomes (gnomAD). The available data on variant occurrences in the general population are insufficient to allow any conclusion about variant significance. To our knowledge, no occurrence of c.3142C>T in individuals affected with Combined Oxidative Phosphorylation Deficiency 55 and no experimental evidence demonstrating its impact on protein function have been reported. No submitters have cited clinical-significance assessments for this variant to ClinVar after 2014. Based on the evidence outlined above, the variant was classified as uncertain significance.

NM_005035.4(POLRMT):c.3142C>T (p.Arg1048Trp)

Gene: POLRMT (RNA polymerase mitochondrial; minus strand). Cytogenetic location: 19p13.3.
Variant type: single nucleotide variant.
Coding change: c.3142C>T on transcript NM_005035.4 (MANE Select); coding-DNA position 3142, C replaced by T.
Protein change: p.Arg1048Trp; replaces arginine 1048 with tryptophan.
Molecular consequence: missense variant. On other transcripts: non-coding transcript variant (1).
Genome position (GRCh38, 1-based): chr19:619,221, G>A on the plus strand (C>T on the coding strand, the complement: POLRMT is on the minus strand). VCF-style: chr19-619221-G-A. GRCh37 (hg19) VCF-style: chr19-619221-G-A.
Other names: c.3142C>T, p.Arg1048Trp (NM_001407805.1, NM_001407816.1); c.3133C>T, p.Arg1045Trp (NM_001407806.1, NM_001407809.1); c.3130C>T, p.Arg1044Trp (NM_001407807.1, NM_001407810.1); c.3151C>T, p.Arg1051Trp (NM_001407808.1); c.3100C>T, p.Arg1034Trp (NM_001407811.1, NM_001407813.1); c.3103C>T, p.Arg1035Trp (NM_001407812.1); c.3064C>T, p.Arg1022Trp (NM_001407814.1, NM_001407815.1); c.3019C>T, p.Arg1007Trp (NM_001407829.1); and 5 more; short protein forms R1007W, R1022W, R1034W, R1035W, R1044W, R1045W, R1048W, R1051W.
Identifiers: ClinVar variation 2573536 (VCV002573536.1), dbSNP rs567378965, ClinGen allele CA9019488.